The following is an entry in ClinVar:

ClinVar aggregate classification (germline): Likely pathogenic (1 of 4 stars; one submission).

Conditions:
Glycogen storage disease IXb (GSD9B). Also called: GLYCOGENOSIS OF LIVER AND MUSCLE, AUTOSOMAL RECESSIVE; GSD IXb; PHOSPHORYLASE KINASE DEFICIENCY OF LIVER AND MUSCLE, AUTOSOMAL RECESSIVE. Identifiers: Orphanet 79240, MedGen C0543514, MONDO:0009868, OMIM 261750.

Allele frequency attached by ClinVar (database versions not stated): TOPMed below 0.00001; gnomAD 0.00001.
gnomAD v4.1: 2 of 1,503,226 alleles (0.00013%); highest among the groups gnomAD compares: Non-Finnish European, 0.00019%; no homozygotes.

Submission:

Labcorp Genetics (formerly Invitae), Labcorp
Classification: Likely pathogenic for Glycogen storage disease IXb. Last evaluated: 2023-04-12. Review status: criteria provided, single submitter. Criteria: Invitae Variant Classification Sherloc (09022015). Collection method: clinical testing. Allele origin: germline.
Comment: This sequence change affects a donor splice site in intron 12 of the PHKB gene. It is expected to disrupt RNA splicing. Variants that disrupt the donor or acceptor splice site typically lead to a loss of protein function (PMID: 16199547), and loss-of-function variants in PHKB are known to be pathogenic (PMID: 9215682, 9326319). This variant is not present in population databases (gnomAD no frequency). This variant has not been reported in the literature in individuals affected with PHKB-related conditions. Algorithms developed to predict the effect of sequence changes on RNA splicing suggest that this variant may disrupt the consensus splice site. In summary, the currently available evidence indicates that the variant is pathogenic, but additional data are needed to prove that conclusively. Therefore, this variant has been classified as Likely Pathogenic.

Literature cited by the submitters: PubMed 16199547; PubMed 9215682; PubMed 9326319.

NM_000293.3(PHKB):c.1204+1G>T

Gene: PHKB (phosphorylase kinase regulatory subunit beta; plus strand). Cytogenetic location: 16q12.1.
Variant type: single nucleotide variant.
Coding change: c.1204+1G>T on transcript NM_000293.3 (MANE Select); the canonical splice donor site of the intron after coding-DNA position 1204, G replaced by T.
Molecular consequence: splice donor variant.
Genome position (GRCh38, 1-based): chr16:47,594,215, G>T. VCF-style: chr16-47594215-G-T. GRCh37 (hg19) VCF-style: chr16-47628126-G-T.
Other names: c.1204+1G>T (NM_001363837.1); c.1183+1G>T (NM_001031835.3).
Identifiers: ClinVar variation 2736339 (VCV002736339.3), dbSNP rs1972079641, ClinGen allele CA395798903.
Genomic context (GRCh38, chr16:47,594,215, plus strand): 5'-CTAAGCAAGTACAGGAATATCAGGATCTTTTGACTCCAGTACTTCATCATACCACAGAAG[G>T]TATAGTTGTTTTTTTAAGAAATTCTTCCTACCAACATTTCCTGAATGTTTATTTGAAATG-3'